The following is an entry in ClinVar:

ClinVar aggregate classification (germline): Uncertain significance (1 of 4 stars; one submission).

Allele frequency attached by ClinVar (database versions not stated): gnomAD exomes 0.00002; gnomAD 0.00003; ExAC 0.00002; TOPMed 0.00004; ESP Exome Variant Server 0.00008.

Submission:

Labcorp Genetics (formerly Invitae), Labcorp
Classification: Uncertain significance. Last evaluated: 2024-08-02. Review status: criteria provided, single submitter. Criteria: Invitae Variant Classification Sherloc (09022015). Collection method: clinical testing. Allele origin: germline.
Comment: This sequence change replaces arginine, which is basic and polar, with histidine, which is basic and polar, at codon 672 of the LONP1 protein (p.Arg672His). This variant is present in population databases (rs138134205, gnomAD 0.003%). This variant has not been reported in the literature in individuals affected with LONP1-related conditions. ClinVar contains an entry for this variant (Variation ID: 2053136). An algorithm developed to predict the effect of missense changes on protein structure and function (PolyPhen-2) suggests that this variant is likely to be tolerated. In summary, the available evidence is currently insufficient to determine the role of this variant in disease. Therefore, it has been classified as a Variant of Uncertain Significance.

NM_004793.4(LONP1):c.2015G>A (p.Arg672His)

Gene: LONP1 (lon peptidase 1, mitochondrial; minus strand). Cytogenetic location: 19p13.3.
Variant type: single nucleotide variant.
Coding change: c.2015G>A on transcript NM_004793.4 (MANE Select); coding-DNA position 2015, G replaced by A.
Protein change: p.Arg672His; replaces arginine 672 with histidine.
Molecular consequence: missense variant. On other transcripts: non-coding transcript variant (1).
Genome position (GRCh38, 1-based): chr19:5,694,900, C>T on the plus strand (G>A on the coding strand, the complement: LONP1 is on the minus strand). VCF-style: chr19-5694900-C-T. GRCh37 (hg19) VCF-style: chr19-5694911-C-T.
Other names: c.1823G>A, p.Arg608His (NM_001276479.2); c.1427G>A, p.Arg476His (NM_001276480.1); short protein forms R476H, R608H, R672H.
Identifiers: ClinVar variation 2053136 (VCV002053136.4), dbSNP rs138134205, ClinGen allele CA9114322.